The following is an entry in ClinVar:

ClinVar aggregate classification (germline): Benign/Likely benign. Review status: criteria provided, multiple submitters, no conflicts (2 of 4 stars). 3 submissions from 3 submitters: Benign (2); Likely benign (1). Last evaluated 2025-04-03.

Conditions:
Rotor syndrome (HBLRR). Also called: HYPERBILIRUBINEMIA, ROTOR TYPE, DIGENIC; HYPERBILIRUBINEMIA, ROTOR TYPE. Identifiers: Orphanet 3111, MedGen C0220991, MONDO:0009379, OMIM 237450.

Allele frequency attached by ClinVar (database versions not stated): gnomAD 0.00028 and 0.00041; TOPMed 0.00058; ExAC 0.00111; gnomAD exomes 0.00111; 1000 Genomes Project 30x 0.00187; 1000 Genomes Project 0.00200.
gnomAD v4.1: 721 of 1,610,398 alleles (0.045%); highest among the groups gnomAD compares: East Asian, 1.5%; 3 homozygotes.

Submissions (3):

ARUP Laboratories, Molecular Genetics and Genomics, ARUP Laboratories
Classification: Benign for Rotor syndrome. Last evaluated: 2025-04-03. Review status: criteria provided, single submitter. Criteria: ARUP Molecular Germline Variant Investigation Process 2024. Collection method: clinical testing. Allele origin: germline.

Blueprint Genetics
Classification: Likely benign. Last evaluated: 2024-09-09. Review status: criteria provided, single submitter. Criteria: ACMG Guidelines, 2015. Collection method: clinical testing. Allele origin: germline.

Illumina Laboratory Services, Illumina
Classification: Benign for Rotor syndrome. Last evaluated: 2018-01-13. Review status: criteria provided, single submitter. Criteria: ICSL Variant Classification Criteria 13 December 2019. Collection method: clinical testing. Allele origin: germline.
Comment: This variant was observed in the ICSL laboratory as part of a predisposition screen in an ostensibly healthy population. It had not been previously curated by ICSL or reported in the Human Gene Mutation Database (HGMD: prior to June 1st, 2018), and was therefore a candidate for classification through an automated scoring system. Utilizing variant allele frequency, disease prevalence and penetrance estimates, and inheritance mode, an automated score was calculated to assess if this variant is too frequent to cause the disease. Based on the score and internal cut-off values, a variant classified as benign is not then subjected to further curation. The score for this variant resulted in a classification of benign for this disease.

NM_006446.5(SLCO1B1):c.1498-12A>G

Gene: SLCO1B1 (solute carrier organic anion transporter family member 1B1; plus strand). Cytogenetic location: 12p12.1.
Variant type: single nucleotide variant.
Coding change: c.1498-12A>G on transcript NM_006446.5 (MANE Select); 12 bases into the intron before coding-DNA position 1498, A replaced by G.
Molecular consequence: intron variant.
Genome position (GRCh38, 1-based): chr12:21,217,107, A>G. VCF-style: chr12-21217107-A-G. GRCh37 (hg19) VCF-style: chr12-21370041-A-G.
Identifiers: ClinVar variation 883991 (VCV000883991.6), dbSNP rs80208935, ClinGen allele CA6477045.